The following is an entry in ClinVar:

NM_178862.3(STT3B):c.1948A>G (p.Arg650Gly)

Gene: STT3B (STT3 oligosaccharyltransferase complex catalytic subunit B; plus strand). Cytogenetic location: 3p23.
Variant type: single nucleotide variant.
Coding change: c.1948A>G on transcript NM_178862.3 (MANE Select); coding-DNA position 1948, A replaced by G.
Protein change: p.Arg650Gly; replaces arginine 650 with glycine.
Molecular consequence: missense variant.
Genome position (GRCh38, 1-based): chr3:31,626,002, A>G. VCF-style: chr3-31626002-A-G. GRCh37 (hg19) VCF-style: chr3-31667494-A-G.
Other names: short protein forms R650G.
Identifiers: ClinVar variation 1392903 (VCV001392903.6), dbSNP rs755361919, ClinGen allele CA2295322.

ClinVar aggregate classification (germline): Uncertain significance (1 of 4 stars; one submission).

Conditions:
STT3B-congenital disorder of glycosylation. Also called: CDG Ix; STT3B-CDG; Congenital disorder of glycosylation type 1x. Identifiers: Orphanet 370924, MedGen C2931007, MONDO:0014271, OMIM 615597.

Allele frequency attached by ClinVar (database versions not stated): gnomAD exomes below 0.00001; ExAC 0.00001.

Submission:

Labcorp Genetics (formerly Invitae), Labcorp
Classification: Uncertain significance for STT3B-congenital disorder of glycosylation. Last evaluated: 2021-11-22. Review status: criteria provided, single submitter. Criteria: Invitae Variant Classification Sherloc (09022015). Collection method: clinical testing. Allele origin: germline.
Comment: In summary, the available evidence is currently insufficient to determine the role of this variant in disease. Therefore, it has been classified as a Variant of Uncertain Significance. Algorithms developed to predict the effect of missense changes on protein structure and function are either unavailable or do not agree on the potential impact of this missense change (SIFT: "Deleterious"; PolyPhen-2: "Benign"; Align-GVGD: "Class C0"). This variant has not been reported in the literature in individuals affected with STT3B-related conditions. This variant is present in population databases (rs755361919, gnomAD 0.003%). This sequence change replaces arginine, which is basic and polar, with glycine, which is neutral and non-polar, at codon 650 of the STT3B protein (p.Arg650Gly).